The following is an entry in ClinVar:

NM_004168.4(SDHA):c.1563T>A (p.Asn521Lys)

Gene: SDHA (succinate dehydrogenase complex flavoprotein subunit A; plus strand). Cytogenetic location: 5p15.33.
Variant type: single nucleotide variant.
Coding change: c.1563T>A on transcript NM_004168.4 (MANE Select); coding-DNA position 1563, T replaced by A.
Protein change: p.Asn521Lys; replaces asparagine 521 with lysine.
Molecular consequence: missense variant. On other transcripts: intron variant (1).
Genome position (GRCh38, 1-based): chr5:251,003, T>A. VCF-style: chr5-251003-T-A. GRCh37 (hg19) VCF-style: chr5-251118-T-A.
Other names: c.1419T>A, p.Asn473Lys (NM_001294332.2); c.1552-3390T>A (NM_001330758.2); short protein forms N473K, N521K.
Identifiers: ClinVar variation 2951848 (VCV002951848.3), dbSNP rs2477454340, ClinGen allele CA358998431.

ClinVar aggregate classification (germline): Uncertain significance (1 of 4 stars; one submission).

Conditions:
Mitochondrial complex II deficiency, nuclear type 1. Also called: SUCCINATE CoQ REDUCTASE DEFICIENCY. Identifiers: Orphanet 3208, MedGen C5700310, MONDO:0100294, OMIM 252011.
Pheochromocytoma/paraganglioma syndrome 5. Also called: Paragangliomas 5; SDHA-Related Hereditary Paraganglioma-Pheochromocytoma Syndrome. Identifiers: Orphanet 29072, MedGen C3279992, MONDO:0013602, OMIM 614165.

Submission:

Labcorp Genetics (formerly Invitae), Labcorp
Classification: Uncertain significance for Pheochromocytoma/paraganglioma syndrome 5; Mitochondrial complex II deficiency, nuclear type 1. Last evaluated: 2023-09-11. Review status: criteria provided, single submitter. Criteria: Invitae Variant Classification Sherloc (09022015). Collection method: clinical testing. Allele origin: germline.
Comment: In summary, the available evidence is currently insufficient to determine the role of this variant in disease. Therefore, it has been classified as a Variant of Uncertain Significance. Advanced modeling of protein sequence and biophysical properties (such as structural, functional, and spatial information, amino acid conservation, physicochemical variation, residue mobility, and thermodynamic stability) performed at Invitae indicates that this missense variant is not expected to disrupt SDHA protein function. This variant has not been reported in the literature in individuals affected with SDHA-related conditions. This variant is not present in population databases (gnomAD no frequency). This sequence change replaces asparagine, which is neutral and polar, with lysine, which is basic and polar, at codon 521 of the SDHA protein (p.Asn521Lys).